The following is an entry in ClinVar:

NM_003128.3(SPTBN1):c.2711G>A (p.Arg904Gln)

Gene: SPTBN1 (spectrin beta, non-erythrocytic 1; plus strand). Cytogenetic location: 2p16.2.
Variant type: single nucleotide variant.
Coding change: c.2711G>A on transcript NM_003128.3 (MANE Select); coding-DNA position 2711, G replaced by A.
Protein change: p.Arg904Gln; replaces arginine 904 with glutamine.
Molecular consequence: missense variant.
Genome position (GRCh38, 1-based): chr2:54,629,933, G>A. VCF-style: chr2-54629933-G-A. GRCh37 (hg19) VCF-style: chr2-54857070-G-A.
Other names: c.2672G>A, p.Arg891Gln (NM_178313.3); short protein forms R904Q, R891Q.
Identifiers: ClinVar variation 3651274 (VCV003651274.2).

ClinVar aggregate classification (germline): Uncertain significance (1 of 4 stars; one submission).

Submission:

Labcorp Genetics (formerly Invitae), Labcorp
Classification: Uncertain significance. Last evaluated: 2024-04-26. Review status: criteria provided, single submitter. Criteria: Invitae Variant Classification Sherloc (09022015). Collection method: clinical testing. Allele origin: germline.
Comment: This sequence change replaces arginine, which is basic and polar, with glutamine, which is neutral and polar, at codon 904 of the SPTBN1 protein (p.Arg904Gln). This variant is not present in population databases (gnomAD no frequency). This variant has not been reported in the literature in individuals affected with SPTBN1-related conditions. An algorithm developed to predict the effect of missense changes on protein structure and function (PolyPhen-2) suggests that this variant is likely to be disruptive. In summary, the available evidence is currently insufficient to determine the role of this variant in disease. Therefore, it has been classified as a Variant of Uncertain Significance.